The following is an entry in ClinVar:

ClinVar aggregate classification (germline): Uncertain significance (1 of 4 stars; one submission).

Submission:

GeneDx
Classification: Uncertain significance. Last evaluated: 2026-02-18. Review status: criteria provided, single submitter. Criteria: GeneDx Variant Classification Process June 2021. Collection method: clinical testing. Allele origin: germline.
Comment: Not observed at significant frequency in large population cohorts (gnomAD); In silico analysis supports that this missense variant has a deleterious effect on protein structure/function; Has not been previously published as pathogenic or benign to our knowledge

NM_000240.4(MAOA):c.1031G>A (p.Gly344Glu)

Gene: MAOA (monoamine oxidase A; plus strand). Cytogenetic location: Xp11.3.
Variant type: single nucleotide variant.
Coding change: c.1031G>A on transcript NM_000240.4 (MANE Select); coding-DNA position 1031, G replaced by A.
Protein change: p.Gly344Glu; replaces glycine 344 with glutamic acid.
Molecular consequence: missense variant.
Genome position (GRCh38, 1-based): chrX:43,732,774, G>A. VCF-style: chrX-43732774-G-A. GRCh37 (hg19) VCF-style: chrX-43592021-G-A.
Other names: c.632G>A, p.Gly211Glu (NM_001270458.2); short protein forms G344E, G211E.
Identifiers: ClinVar variation 5009318 (VCV005009318.1).
Genomic context (GRCh38, chrX:43,732,774, plus strand): 5'-TGATCATTGAAGATGAAGATGCTCCAATTTCAATAACCTTGGATGACACCAAGCCAGATG[G>A]GTCACTGCCTGCCATCATGGGGTAGGTTAGAGCAGGGTGTTCTGCATTTTCCAAATTGTG-3'
Protein context (NP_000231.1, residues 334-354): SITLDDTKPD[Gly344Glu]SLPAIMGFIL